The following is an entry in ClinVar:

ClinVar aggregate classification (germline): Pathogenic. Review status: criteria provided, multiple submitters, no conflicts (2 of 4 stars). 3 submissions from 3 submitters: Pathogenic (3). Last evaluated 2024-09-03.

Conditions:
Autism, susceptibility to, 15. Also called: Autism susceptibility 15. Identifiers: MedGen C2677504, MONDO:0012801, OMIM 612100.
Cortical dysplasia-focal epilepsy syndrome (PTHSL1). Also called: Pitt-Hopkins-like syndrome 1. Identifiers: Orphanet 163681, Orphanet 221150, MedGen C2750246, MONDO:0012400, OMIM 610042.

Allele frequency attached by ClinVar (database versions not stated): gnomAD exomes below 0.00001; ExAC 0.00001; gnomAD 0.00001; TOPMed 0.00002.

Submissions (3):

Labcorp Genetics (formerly Invitae), Labcorp
Classification: Pathogenic for Cortical dysplasia-focal epilepsy syndrome. Last evaluated: 2024-09-03. Review status: criteria provided, single submitter. Criteria: Invitae Variant Classification Sherloc (09022015). Collection method: clinical testing. Allele origin: germline.
Comment: This sequence change creates a premature translational stop signal (p.Gly1161Glufs*3) in the CNTNAP2 gene. It is expected to result in an absent or disrupted protein product. Loss-of-function variants in CNTNAP2 are known to be pathogenic (PMID: 19896112, 21827697, 25045150, 26843181, 27439707). This variant is present in population databases (rs771827120, gnomAD 0.0009%). This premature translational stop signal has been observed in individual(s) with clinical features of CNTNAP2-related conditions (internal data). In at least one individual the data is consistent with being in trans (on the opposite chromosome) from a pathogenic variant. ClinVar contains an entry for this variant (Variation ID: 468428). For these reasons, this variant has been classified as Pathogenic.

Women's Health and Genetics/Laboratory Corporation of America, LabCorp
Classification: Pathogenic for Autism, susceptibility to, 15. Last evaluated: 2024-04-22. Review status: criteria provided, single submitter. Criteria: LabCorp Variant Classification Summary - May 2015. Collection method: clinical testing. Allele origin: germline.
Comment: Variant summary: CNTNAP2 c.3480_3481delAG (p.Gly1161GlufsX3) results in a premature termination codon, predicted to cause a truncation of the encoded protein or absence of the protein due to nonsense mediated decay, which are commonly known mechanisms for disease. The variant was absent in 251442 control chromosomes. To our knowledge, no occurrence of c.3480_3481delAG in individuals affected with Autism, Susceptibility To, 15 and no experimental evidence demonstrating its impact on protein function have been reported. ClinVar contains an entry for this variant (Variation ID: 468428). Based on the evidence outlined above, the variant was classified as pathogenic.

Fulgent Genetics
Classification: Pathogenic for Cortical dysplasia-focal epilepsy syndrome; Autism, susceptibility to, 15. Last evaluated: 2024-01-04. Review status: criteria provided, single submitter. Criteria: ACMG Guidelines, 2015. Collection method: clinical testing. Allele origin: germline.

Literature cited by the submitters: PubMed 19896112 (cited by Labcorp Genetics (formerly Invitae), Labcorp); PubMed 21827697 (cited by Labcorp Genetics (formerly Invitae), Labcorp); PubMed 25045150 (cited by Labcorp Genetics (formerly Invitae), Labcorp); PubMed 26843181 (cited by Labcorp Genetics (formerly Invitae), Labcorp); PubMed 27439707 (cited by Labcorp Genetics (formerly Invitae), Labcorp).

NM_014141.6(CNTNAP2):c.3480_3481del (p.Gly1161fs)

Gene: CNTNAP2 (contactin associated protein 2; plus strand). Cytogenetic location: 7q36.1.
Variant type: Deletion.
Coding change: c.3480_3481del on transcript NM_014141.6 (MANE Select); coding-DNA positions 3480 to 3481, 2 bases deleted (AG; older notation c.3480_3481delAG).
Protein change: p.Gly1161fs; shifts the reading frame from glycine 1161.
Molecular consequence: frameshift variant.
Genome position (GRCh38, 1-based): chr7:148,383,653-148,383,654, AG deleted. VCF-style (leftmost placement, unchanged base first): chr7-148383652-CAG-C. GRCh37 (hg19) VCF-style: chr7-148080744-CAG-C.
Other names: c.3480_3481delAG (NM_014141.6); short protein forms G1161fs.
Identifiers: ClinVar variation 468428 (VCV000468428.11), dbSNP rs771827120, ClinGen allele CA4546687.